The following is an entry in ClinVar:

NM_001267550.2(TTN):c.87707dup (p.Thr29237fs)

Genes: TTN (titin; minus strand), TTN-AS1 (TTN antisense RNA 1; plus strand). Cytogenetic location: 2q31.2.
Variant type: Duplication.
Coding change: c.87707dup on transcript NM_001267550.2 (MANE Select); coding-DNA position 87707, one base duplicated (C; older notation c.87707dupC).
Protein change: p.Thr29237fs; shifts the reading frame from threonine 29237.
Molecular consequence: frameshift variant.
Genome position (GRCh38, 1-based): chr2:178,557,555, G duplicated on the plus strand (C on the coding strand, the reverse complement: TTN is on the minus strand). VCF-style (leftmost placement, unchanged base first): chr2-178557554-T-TG. GRCh37 (hg19) VCF-style: chr2-179422281-T-TG.
Other names: c.82784dup, p.Thr27596fs (NM_001256850.1); c.60512dup, p.Thr20172fs (NM_003319.4); c.80003dup, p.Thr26669fs (NM_133378.4); c.60887dup, p.Thr20297fs (NM_133432.3); c.61088dup, p.Thr20364fs (NM_133437.4); c.87707dupC (NM_001267550.2); short protein forms T20172fs, T20297fs, T26669fs, T27596fs, T20364fs, T29237fs.
Identifiers: ClinVar variation 661904 (VCV000661904.9), dbSNP rs1575583160, ClinGen allele CA915942189.

ClinVar aggregate classification (germline): Likely pathogenic (1 of 4 stars; one submission).

Conditions:
Autosomal recessive limb-girdle muscular dystrophy type 2J (LGMDR10). Also called: Limb-girdle muscular dystrophy, type 2J; MUSCULAR DYSTROPHY, LIMB-GIRDLE, AUTOSOMAL RECESSIVE 10. Identifiers: Orphanet 140922, MedGen C1837342, MONDO:0012127, OMIM 608807.
Dilated cardiomyopathy 1G (CMD1G). Identifiers: Orphanet 154, MedGen C1858763, MONDO:0011400, OMIM 604145.

Submission:

Labcorp Genetics (formerly Invitae), Labcorp
Classification: Likely pathogenic for Dilated cardiomyopathy 1G; Autosomal recessive limb-girdle muscular dystrophy type 2J. Last evaluated: 2018-12-03. Review status: criteria provided, single submitter. Criteria: Invitae Variant Classification Sherloc (09022015). Collection method: clinical testing. Allele origin: germline.
Comment: This variant is not present in population databases (ExAC no frequency). This sequence change results in a premature translational stop signal in the TTN gene (p.Thr29237Asnfs*12). While this is not anticipated to result in nonsense mediated decay, it is expected to create a truncated TTN protein This variant has not been reported in the literature in individuals with TTN-related conditions. In summary, the currently available evidence indicates that the variant is pathogenic, but additional data are needed to prove that conclusively. Therefore, this variant has been classified as Likely Pathogenic. This variant is located in the A band of TTN (PMID: 25589632). Truncating variants in this region are significantly overrepresented in patients affected with dilated cardiomyopathy (PMID: 25589632). Truncating variants in this region have also been reported in individuals affected with autosomal recessive centronuclear myopathy (PMID: 23975875).

Literature cited by the submitters: PubMed 25589632; PubMed 23975875.